The following is an entry in ClinVar:

NM_002528.7(NTHL1):c.805G>A (p.Glu269Lys)

Gene: NTHL1 (nth like DNA glycosylase 1; minus strand). Cytogenetic location: 16p13.3.
Variant type: single nucleotide variant.
Coding change: c.805G>A on transcript NM_002528.7 (MANE Select); coding-DNA position 805, G replaced by A.
Protein change: p.Glu269Lys; replaces glutamic acid 269 with lysine.
Molecular consequence: missense variant.
Genome position (GRCh38, 1-based): chr16:2,040,034, C>T on the plus strand (G>A on the coding strand, the complement: NTHL1 is on the minus strand). VCF-style: chr16-2040034-C-T. GRCh37 (hg19) VCF-style: chr16-2090035-C-T.
Other names: c.805G>A, p.Glu269Lys (LRG_1366t1); c.634G>A, p.Glu212Lys (NM_001318193.2); c.475G>A, p.Glu159Lys (NM_001318194.2); short protein forms E212K, E269K, E159K.
Identifiers: ClinVar variation 638875 (VCV000638875.17), dbSNP rs895744368, ClinGen allele CA276760204.
Genomic context (GRCh38, chr16:2,040,034, plus strand): 5'-AGCGAGGGTGCACAGGCAGACAGGTCTGCTGGCCGAAGCCCACCAAGAGTCCATTGATCT[C>T]GTGCCACAGCTCCCTGTGGGGGTGGGGGCTGGGTCAGTGCTGACAGAGGGCGGGCGGGGT-3'
Protein context (NP_002519.2, residues 259-279): EEWLPRELWH[Glu269Lys]INGLLVGFGQ

ClinVar aggregate classification (germline): Uncertain significance. Review status: criteria provided, multiple submitters, no conflicts (2 of 4 stars). 4 submissions from 4 submitters: Uncertain significance (4). Last evaluated 2026-02-16.

Conditions:
Hereditary cancer-predisposing syndrome. Also called: Tumor predisposition; Neoplastic Syndromes, Hereditary; Hereditary Cancer Syndrome; Hereditary neoplastic syndrome. Identifiers: Orphanet 140162, MedGen C0027672, MeSH D009386, MONDO:0015356.
Familial adenomatous polyposis 3. Also called: NTHL1-Related Adenomatous Polyposis and Colorectal Cancer; NTHL1 Tumor Syndrome; NTHL1-associated polyposis; NTHL1-related attenuated familial adenomatous polyposis. Identifiers: Orphanet 220460, Orphanet 454840, MedGen C4225157, MONDO:0014630, OMIM 616415.

Allele frequency attached by ClinVar (database versions not stated): gnomAD 0.00001; TOPMed 0.00002.
gnomAD v4.1: 8 of 1,612,172 alleles (0.0005%); highest among the groups gnomAD compares: Middle Eastern, 0.016%; no homozygotes.

Submissions (4):

Ambry Genetics
Classification: Uncertain significance for Hereditary cancer-predisposing syndrome. Last evaluated: 2026-02-16. Review status: criteria provided, single submitter. Criteria: Ambry Variant Classification Scheme 2023. Collection method: clinical testing. Allele origin: germline.

Labcorp Genetics (formerly Invitae), Labcorp
Classification: Uncertain significance. Last evaluated: 2025-12-16. Review status: criteria provided, single submitter. Criteria: Invitae Variant Classification Sherloc (09022015). Collection method: clinical testing. Allele origin: germline.
Comment: This sequence change replaces glutamic acid, which is acidic and polar, with lysine, which is basic and polar, at codon 277 of the NTHL1 protein (p.Glu277Lys). This variant is not present in population databases (gnomAD no frequency). This variant has not been reported in the literature in individuals affected with NTHL1-related conditions. ClinVar contains an entry for this variant (Variation ID: 638875). An algorithm developed to predict the effect of missense changes on protein structure and function (PolyPhen-2) suggests that this variant is likely to be tolerated. In summary, the available evidence is currently insufficient to determine the role of this variant in disease. Therefore, it has been classified as a Variant of Uncertain Significance.

Baylor Genetics
Classification: Uncertain significance for Familial adenomatous polyposis 3. Last evaluated: 2024-03-13. Review status: criteria provided, single submitter. Criteria: ACMG Guidelines, 2015. Collection method: clinical testing. Allele origin: unknown.

Blueprint Genetics
Classification: Uncertain significance. Last evaluated: 2023-03-06. Review status: criteria provided, single submitter. Criteria: ACMG Guidelines, 2015. Collection method: clinical testing. Allele origin: germline.